The following is an entry in ClinVar:

NM_001853.4(COL9A3):c.1151G>A (p.Arg384Gln)

Gene: COL9A3 (collagen type IX alpha 3 chain; plus strand). Cytogenetic location: 20q13.33.
Variant type: single nucleotide variant.
Coding change: c.1151G>A on transcript NM_001853.4 (MANE Select); coding-DNA position 1151, G replaced by A.
Protein change: p.Arg384Gln; replaces arginine 384 with glutamine.
Molecular consequence: missense variant.
Genome position (GRCh38, 1-based): chr20:62,829,809, G>A. VCF-style: chr20-62829809-G-A. GRCh37 (hg19) VCF-style: chr20-61461161-G-A.
Other names: c.1151G>A (NM_001853.3); short protein forms R384Q.
Identifiers: ClinVar variation 1410954 (VCV001410954.9), dbSNP rs868865816, ClinGen allele CA317334008.

ClinVar aggregate classification (germline): Uncertain significance. Review status: criteria provided, single submitter (1 of 4 stars). 2 submissions from 2 submitters: Uncertain significance (1). 1 of the submissions does not count toward it. Last evaluated 2024-02-23.

Conditions:
COL9A3-related disorder. Also called: COL9A3-related condition.

Allele frequency attached by ClinVar (database versions not stated): gnomAD 0.00001; gnomAD exomes 0.00001 and 0.00002; TOPMed 0.00003.

Submissions (2):

Labcorp Genetics (formerly Invitae), Labcorp
Classification: Uncertain significance. Last evaluated: 2024-02-23. Review status: criteria provided, single submitter. Criteria: Invitae Variant Classification Sherloc (09022015). Collection method: clinical testing. Allele origin: germline.
Comment: This sequence change replaces arginine, which is basic and polar, with glutamine, which is neutral and polar, at codon 384 of the COL9A3 protein (p.Arg384Gln). The frequency data for this variant in the population databases is considered unreliable, as metrics indicate poor data quality at this position in the gnomAD database. This variant has not been reported in the literature in individuals affected with COL9A3-related conditions. ClinVar contains an entry for this variant (Variation ID: 1410954). Advanced modeling of protein sequence and biophysical properties (such as structural, functional, and spatial information, amino acid conservation, physicochemical variation, residue mobility, and thermodynamic stability) performed at Invitae indicates that this missense variant is not expected to disrupt COL9A3 protein function with a negative predictive value of 95%. In summary, the available evidence is currently insufficient to determine the role of this variant in disease. Therefore, it has been classified as a Variant of Uncertain Significance.

PreventionGenetics, part of Exact Sciences
Classification: Uncertain significance for COL9A3-related condition. Last evaluated: 2024-06-11. Review status: no assertion criteria provided. Collection method: clinical testing. Allele origin: germline. Not counted in ClinVar's aggregate classification.
Comment: The COL9A3 c.1151G>A variant is predicted to result in the amino acid substitution p.Arg384Gln. To our knowledge, this variant has not been reported in the literature. This variant is reported in 0.0074% of alleles in individuals of Latino descent in gnomAD. At this time, the clinical significance of this variant is uncertain due to the absence of conclusive functional and genetic evidence.